The following is an entry in ClinVar:

ClinVar aggregate classification (germline): Pathogenic/Likely pathogenic. Review status: criteria provided, multiple submitters, no conflicts (2 of 4 stars). 2 submissions from 2 submitters: Pathogenic (1); Likely pathogenic (1). Last evaluated 2023-09-17.

Conditions:
DNAAF2-related disorder. Also called: DNAAF2-related condition.
Primary ciliary dyskinesia. Also called: Ciliary dyskinesia. Identifiers: Orphanet 244, MedGen C0008780, MONDO:0016575, HP:0012265.

Submissions (2):

PreventionGenetics, part of Exact Sciences
Classification: Likely pathogenic for DNAAF2-related condition. Last evaluated: 2023-09-17. Review status: criteria provided, single submitter. Criteria: ACMG Guidelines, 2015. Collection method: clinical testing. Allele origin: germline.
Comment: The DNAAF2 c.820_821delTC variant is predicted to result in a frameshift and premature protein termination (p.Ala275Profs*7). To our knowledge this variant has not been reported in the literature or in a large population database, indicating this variant is rare. Frameshift variants in DNAAF2 are expected to be pathogenic. This variant is interpreted as likely pathogenic.

Labcorp Genetics (formerly Invitae), Labcorp
Classification: Pathogenic for Primary ciliary dyskinesia. Last evaluated: 2022-08-09. Review status: criteria provided, single submitter. Criteria: Invitae Variant Classification Sherloc (09022015). Collection method: clinical testing. Allele origin: germline.
Comment: For these reasons, this variant has been classified as Pathogenic. This variant has not been reported in the literature in individuals affected with DNAAF2-related conditions. This variant is not present in population databases (gnomAD no frequency). This sequence change creates a premature translational stop signal (p.Ala275Profs*7) in the DNAAF2 gene. It is expected to result in an absent or disrupted protein product. Loss-of-function variants in DNAAF2 are known to be pathogenic (PMID: 19052621, 24498942).

Literature cited by the submitters: PubMed 19052621 (cited by Labcorp Genetics (formerly Invitae), Labcorp); PubMed 24498942 (cited by Labcorp Genetics (formerly Invitae), Labcorp).

NM_018139.3(DNAAF2):c.820_821del (p.Ala275fs)

Gene: DNAAF2 (dynein axonemal assembly factor 2; minus strand). Cytogenetic location: 14q21.3.
Variant type: Deletion.
Coding change: c.820_821del on transcript NM_018139.3 (MANE Select); coding-DNA positions 820 to 821, 2 bases deleted (TC; older notation c.820_821delTC).
Protein change: p.Ala275fs; shifts the reading frame from alanine 275.
Molecular consequence: frameshift variant.
Genome position (GRCh38, 1-based): chr14:49,634,329-49,634,330, GA deleted on the plus strand (TC on the coding strand, the reverse complement: DNAAF2 is on the minus strand); deleting any 2 consecutive bases within chr14:49,634,329-49,634,331 gives the same sequence; the c. name uses the placement nearest the transcript's 3' end. VCF-style (leftmost placement, unchanged base first): chr14-49634328-TGA-T. GRCh37 (hg19) VCF-style: chr14-50101046-TGA-T.
Other names: c.820_821del, p.Ala275fs (NM_001083908.2); c.820_821delTC (NM_018139.2); short protein forms A275fs.
Identifiers: ClinVar variation 2055366 (VCV002055366.5), dbSNP rs1267718786, ClinGen allele CA706510237.